The following is an entry in ClinVar:

NM_001458.5(FLNC):c.3464C>G (p.Pro1155Arg)

Gene: FLNC (filamin C; plus strand). Cytogenetic location: 7q32.1.
Variant type: single nucleotide variant.
Coding change: c.3464C>G on transcript NM_001458.5 (MANE Select); coding-DNA position 3464, C replaced by G.
Protein change: p.Pro1155Arg; replaces proline 1155 with arginine.
Molecular consequence: missense variant.
Genome position (GRCh38, 1-based): chr7:128,844,929, C>G. VCF-style: chr7-128844929-C-G. GRCh37 (hg19) VCF-style: chr7-128484983-C-G.
Other names: c.3464C>G, p.Pro1155Arg (NM_001127487.2); short protein forms P1155R.
Identifiers: ClinVar variation 4812704 (VCV004812704.1).
Genomic context (GRCh38, chr7:128,844,929, plus strand): 5'-TTGCTGAGGCCCACATCCCTGGCTCGCCCTTCAAAGCCACCATTCGGCCTGTGTTTGACC[C>G]GAGCAAGGTGCGGGCCAGTGGACCGGGCCTGGAGCGCGGCAAGGTCGGTGAGGCAGCCAC-3'
Protein context (NP_001449.3, residues 1145-1165): FKATIRPVFD[Pro1155Arg]SKVRASGPGL

ClinVar aggregate classification (germline): Uncertain significance (1 of 4 stars; one submission).

Conditions:
Hypertrophic cardiomyopathy 26. Also called: Cardiomyopathy, familial hypertrophic, 26. Identifiers: Orphanet 75249, MedGen C4310749, MONDO:0014883, OMIM 617047.
Myofibrillar myopathy 5. Also called: Filaminopathy (type); FILAMINOPATHY, AUTOSOMAL DOMINANT. Identifiers: Orphanet 171445, MedGen C1836050, MONDO:0012289, OMIM 609524.
Distal myopathy with posterior leg and anterior hand involvement. Also called: WILLIAMS DISTAL MYOPATHY. Identifiers: Orphanet 63273, MedGen C3279722, MONDO:0013550, OMIM 614065.

Submission:

Labcorp Genetics (formerly Invitae), Labcorp
Classification: Uncertain significance for Distal myopathy with posterior leg and anterior hand involvement; Myofibrillar myopathy 5; Hypertrophic cardiomyopathy 26. Last evaluated: 2025-01-28. Review status: criteria provided, single submitter. Criteria: Invitae Variant Classification Sherloc (09022015). Collection method: clinical testing. Allele origin: germline.
Comment: This sequence change replaces proline, which is neutral and non-polar, with arginine, which is basic and polar, at codon 1155 of the FLNC protein (p.Pro1155Arg). This variant is not present in population databases (gnomAD no frequency). This variant has not been reported in the literature in individuals affected with FLNC-related conditions. Invitae Evidence Modeling of protein sequence and biophysical properties (such as structural, functional, and spatial information, amino acid conservation, physicochemical variation, residue mobility, and thermodynamic stability) has been performed for this missense variant. However, the output from this modeling did not meet the statistical confidence thresholds required to predict the impact of this variant on FLNC protein function. In summary, the available evidence is currently insufficient to determine the role of this variant in disease. Therefore, it has been classified as a Variant of Uncertain Significance.